The following is an entry in ClinVar:

NM_007118.4(TRIO):c.6028_6032del (p.Gly2010fs)

Gene: TRIO (trio Rho guanine nucleotide exchange factor; plus strand). Cytogenetic location: 5p15.2.
Variant type: Deletion.
Coding change: c.6028_6032del on transcript NM_007118.4 (MANE Select); coding-DNA positions 6028 to 6032, 5 bases deleted (GGAAA; older notation c.6028_6032delGGAAA).
Protein change: p.Gly2010fs; shifts the reading frame from glycine 2010.
Molecular consequence: frameshift variant. On other transcripts: non-coding transcript variant (1).
Genome position (GRCh38, 1-based): chr5:14,474,042-14,474,046, GGAAA deleted; deleting any 5 consecutive bases within chr5:14,474,038-14,474,046 gives the same sequence; the c. name uses the placement nearest the transcript's 3' end. VCF-style (leftmost placement, unchanged base first): chr5-14474037-TGAAAG-T. GRCh37 (hg19) VCF-style: chr5-14474146-TGAAAG-T.
Other names: short protein forms G2010fs.
Identifiers: ClinVar variation 2630756 (VCV002630756.1), dbSNP rs2533582735, ClinGen allele CA2695198594.

ClinVar aggregate classification (germline): Likely pathogenic (1 of 4 stars; one submission).

Conditions:
TRIO-related disorder. Also called: TRIO-related condition; TRIO-related disorders.

Submission:

PreventionGenetics, part of Exact Sciences
Classification: Likely pathogenic for TRIO-related condition. Last evaluated: 2023-09-18. Review status: criteria provided, single submitter. Criteria: ACMG Guidelines, 2015. Collection method: clinical testing. Allele origin: germline.
Comment: The TRIO c.6028_6032del5 variant is predicted to result in a frameshift and premature protein termination (p.Gly2010Argfs*28). To our knowledge, this variant has not been reported in the literature or in a large population database, indicating this variant is rare. Frameshift variants in TRIO are expected to be pathogenic. This variant is interpreted as likely pathogenic.